The following is an entry in ClinVar:

ClinVar aggregate classification (germline): Likely benign (1 of 4 stars; one submission).

Allele frequency attached by ClinVar (database versions not stated): 1000 Genomes Project 0.00899; 1000 Genomes Project 30x 0.00921; TOPMed 0.01405; gnomAD 0.01688 and 0.01729.
gnomAD v4.1: 2,577 of 152,232 alleles (1.7%); highest among the groups gnomAD compares: Middle Eastern, 2.7%; 28 homozygotes.

Submission:

GeneDx
Classification: Likely benign. Last evaluated: 2018-06-14. Review status: criteria provided, single submitter. Criteria: GeneDx Variant Classification (06012015). Collection method: clinical testing. Allele origin: germline. Affected: yes.
Comment: This variant is considered likely benign or benign based on one or more of the following criteria: it is a conservative change, it occurs at a poorly conserved position in the protein, it is predicted to be benign by multiple in silico algorithms, and/or has population frequency not consistent with disease.

NM_002206.3(ITGA7):c.3183+244A>G

Gene: ITGA7 (integrin subunit alpha 7; minus strand). Cytogenetic location: 12q13.2.
Variant type: single nucleotide variant.
Coding change: c.3183+244A>G on transcript NM_002206.3 (MANE Select); 244 bases into the intron after coding-DNA position 3183, A replaced by G.
Molecular consequence: intron variant.
Genome position (GRCh38, 1-based): chr12:55,687,727, T>C on the plus strand (A>G on the coding strand, the complement: ITGA7 is on the minus strand). VCF-style: chr12-55687727-T-C. GRCh37 (hg19) VCF-style: chr12-56081511-T-C.
Other names: c.2904+244A>G (NM_001144997.2); c.2856+244A>G (NM_001367993.1); c.2844+244A>G (NM_001414035.1); c.3000+244A>G (NM_001414033.1); c.1839+244A>G (NM_001367994.1); c.3063+244A>G (NM_001414032.1); c.3096+244A>G (NM_001414031.1); c.3165+244A>G (NM_001374465.1); and 5 more.
Identifiers: ClinVar variation 677685 (VCV000677685.1), dbSNP rs139773973, ClinGen allele CA13724736.
Genomic context (GRCh38, chr12:55,687,727, plus strand): 5'-TTAAGTAGAGATGGGGTTTCACCATGTTGTCCAGGCTGGTCTCGAACTCCTGACCTCAAG[T>C]GATCCACCTGCCTAGGCCTCCCAAAGTGCTGAGATTCCAGGCATGAGCCACTGCACCCAG-3'